The following is an entry in ClinVar:

NM_015512.5(DNAH1):c.12090-10G>A

Gene: DNAH1 (dynein axonemal heavy chain 1; plus strand). Cytogenetic location: 3p21.1.
Variant type: single nucleotide variant.
Coding change: c.12090-10G>A on transcript NM_015512.5 (MANE Select); 10 bases into the intron before coding-DNA position 12090, G replaced by A.
Molecular consequence: intron variant.
Genome position (GRCh38, 1-based): chr3:52,398,840, G>A. VCF-style: chr3-52398840-G-A. GRCh37 (hg19) VCF-style: chr3-52432856-G-A.
Identifiers: ClinVar variation 478405 (VCV000478405.5), dbSNP rs1553643566, ClinGen allele CA658657317.
Genomic context (GRCh38, chr3:52,398,840, plus strand): 5'-GAGCTGCGGAGCATAGCTACTGCCACGTGACCCCAGCCCACTACCTATTCTCTTGCCACT[G>A]GCCTCACAGGTACAATCGGCTGCTGCAGGTGATCACACAGACACTGCAAGACCTACTCAA-3'

ClinVar aggregate classification (germline): Uncertain significance (1 of 4 stars; one submission).

Conditions:
Spermatogenic failure 18. Identifiers: MedGen C4539783, MONDO:0054615, OMIM 617576.
Ciliary dyskinesia, primary, 37 (CILD37). Also called: CILIARY DYSKINESIA, PRIMARY, 37, WITH OR WITHOUT SITUS INVERSUS. Identifiers: MedGen C4539798, MONDO:0033204, OMIM 617577.

Allele frequency attached by ClinVar (database versions not stated): gnomAD exomes below 0.00001.
gnomAD v4.1: 1 of 1,521,904 alleles (0.000066%); highest among the groups gnomAD compares: Non-Finnish European, 0.000088%; no homozygotes.

Submission:

Labcorp Genetics (formerly Invitae), Labcorp
Classification: Uncertain significance for Ciliary dyskinesia, primary, 37; Spermatogenic failure 18. Last evaluated: 2017-04-06. Review status: criteria provided, single submitter. Criteria: Invitae Variant Classification Sherloc (09022015). Collection method: clinical testing. Allele origin: germline.
Comment: This sequence change falls in intron 75 of the DNAH1 gene. It does not directly change the encoded amino acid sequence of the DNAH1 protein. This variant is not present in population databases (ExAC no frequency) and has not been reported in the literature in individuals with a DNAH1-related disease. In summary, this is a novel intronic change with uncertain impact on splicing. It has been classified as a Variant of Uncertain Significance. Algorithms developed to predict the effect of nucleotide changes on RNA splicing suggest that this intronic variant may alter RNA splicing, but this prediction has not been confirmed by published transcriptional studies.